The following is an entry in ClinVar:

ClinVar aggregate classification (germline): Likely benign (1 of 4 stars; one submission).

Allele frequency attached by ClinVar (database versions not stated): gnomAD exomes 0.00030; gnomAD 0.00286 and 0.00301; 1000 Genomes Project 0.00319; 1000 Genomes Project 30x 0.00328; TOPMed 0.00331.
gnomAD v4.1: 611 of 727,020 alleles (0.084%); highest among the groups gnomAD compares: African/African-American, 0.98%; 4 homozygotes.

Submission:

GeneDx
Classification: Likely benign. Last evaluated: 2018-06-14. Review status: criteria provided, single submitter. Criteria: GeneDx Variant Classification (06012015). Collection method: clinical testing. Allele origin: germline. Affected: yes.
Comment: This variant is considered likely benign or benign based on one or more of the following criteria: it is a conservative change, it occurs at a poorly conserved position in the protein, it is predicted to be benign by multiple in silico algorithms, and/or has population frequency not consistent with disease.

NM_001035.3(RYR2):c.8714+125A>G

Gene: RYR2 (ryanodine receptor 2; plus strand). Cytogenetic location: 1q43.
Variant type: single nucleotide variant.
Coding change: c.8714+125A>G on transcript NM_001035.3 (MANE Select); 125 bases into the intron after coding-DNA position 8714, A replaced by G.
Molecular consequence: intron variant.
Genome position (GRCh38, 1-based): chr1:237,674,344, A>G. VCF-style: chr1-237674344-A-G. GRCh37 (hg19) VCF-style: chr1-237837644-A-G.
Identifiers: ClinVar variation 675820 (VCV000675820.1), dbSNP rs184636976, ClinGen allele CA39819439.